The following is an entry in ClinVar:

NM_000169.3(GLA):c.685T>G (p.Phe229Val)

Genes: GLA (galactosidase alpha; minus strand), RPL36A-HNRNPH2 (RPL36A-HNRNPH2 readthrough; plus strand). Cytogenetic location: Xq22.1.
Variant type: single nucleotide variant.
Coding change: c.685T>G on transcript NM_000169.3 (MANE Select); coding-DNA position 685, T replaced by G.
Protein change: p.Phe229Val; replaces phenylalanine 229 with valine.
Molecular consequence: missense variant. On other transcripts: non-coding transcript variant (3), intron variant (2).
Genome position (GRCh38, 1-based): chrX:101,398,901, A>C on the plus strand (T>G on the coding strand, the complement: GLA is on the minus strand). VCF-style: chrX-101398901-A-C. GRCh37 (hg19) VCF-style: chrX-100653889-A-C.
Other names: c.808T>G, p.Phe270Val (NM_001406747.1); c.685T>G, p.Phe229Val (NM_001406748.1); c.300+3444A>C (NM_001199973.2); c.177+7079A>C (NM_001199974.2); short protein forms F229V, F270V.
Identifiers: ClinVar variation 4068632 (VCV004068632.4).

ClinVar aggregate classification (germline): Likely pathogenic. Review status: criteria provided, multiple submitters, no conflicts (2 of 4 stars). 2 submissions from 2 submitters: Likely pathogenic (2). Last evaluated 2026-09-08.

Conditions:
Fabry disease. Also called: Ceramide trihexosidosis; Fabry's disease; ALPHA-GALACTOSIDASE A DEFICIENCY; ANDERSON-FABRY DISEASE; CERAMIDE TRIHEXOSIDASE DEFICIENCY; GLA DEFICIENCY. Identifiers: Orphanet 324, MedGen C0002986, MONDO:0010526, OMIM 301500, HP:0001071. Disease mechanism: Fabry disease is due to inactivating mutations in the X-linked GLA gene resulting in deficiency of the enzyme Alpha Galactosidase-A., loss of function.

Submissions (2):

Genomenon, Inc
Classification: Likely pathogenic for Fabry disease. Last evaluated: 2026-09-08. Review status: criteria provided, single submitter. Criteria: Genomenon Sequence Variant Interpretation Standards - Updated. Collection method: curation. Allele origin: germline. Affected: yes.
Comment: GLA p.Phe229Val (c.685T>G) is a missense variant that changes the amino acid at codon 229 from Phenylalanine to Valine. This variant has been observed in at least one proband with clinical features consistent with Fabry disease (PMID:28006774;36662386). Functional or patient cell studies have been reported (PMID:31956509;28006774). This variant is located in a mutational hotspot and/or important functional domain. It is absent or not present at a significant frequency in gnomAD. In silico models predict that this variant is possibly or probably damaging. In conclusion, we classify GLA p.Phe229Val (c.685T>G) as a likely pathogenic variant.

Natera, Inc.
Classification: Likely pathogenic for Fabry disease. Last evaluated: 2025-04-04. Review status: criteria provided, single submitter. Criteria: Natera Variant Classification Schema (03/2026). Collection method: clinical testing. Allele origin: germline.
Comment: The c.685T>G variant in GLA is a missense variant predicted to cause substitution of phenylalanine to valine at amino acid 229. This variant is rare in the general population with a frequency below the threshold expected for the associated phenotype(s). This variant has been observed in affected individual(s) with monoallelic occurrence (heterozygous/hemizygous) (PMID: 33016649, 28006774, 36662386). This variant has been identified in one or more affected individual with a phenotype highly consistent with the associated gene (PMID: 36662386). Computational prediction algorithms indicate this variant is likely to affect gene or protein function. Given the available evidence, this variant is classified as Likely Pathogenic.

Literature cited by the submitters: PubMed 28006774 (cited by Genomenon, Inc and Natera, Inc.); PubMed 36662386 (cited by Genomenon, Inc and Natera, Inc.); PubMed 31956509 (cited by Genomenon, Inc); PubMed 33016649 (cited by Natera, Inc.).